The following is an entry in ClinVar:

NM_006767.4(LZTR1):c.2247C>T (p.Tyr749=)

Gene: LZTR1 (leucine zipper like post translational regulator 1; plus strand). Cytogenetic location: 22q11.21.
Variant type: single nucleotide variant.
Coding change: c.2247C>T on transcript NM_006767.4 (MANE Select); coding-DNA position 2247, C replaced by T.
Protein change: p.Tyr749=; no amino-acid change (tyrosine 749 retained).
Molecular consequence: synonymous variant.
Genome position (GRCh38, 1-based): chr22:20,996,723, C>T. VCF-style: chr22-20996723-C-T. GRCh37 (hg19) VCF-style: chr22-21351012-C-T.
Identifiers: ClinVar variation 514929 (VCV000514929.48), dbSNP rs779077819, ClinGen allele CA10119317.

ClinVar aggregate classification (germline): Benign/Likely benign. Review status: criteria provided, multiple submitters, no conflicts (2 of 4 stars). 7 submissions from 7 submitters: Benign (1); Likely benign (5). 1 of the submissions does not count toward it. Last evaluated 2026-01-26.

Conditions:
Hereditary cancer-predisposing syndrome. Also called: Neoplastic Syndromes, Hereditary; Hereditary Cancer Syndrome; Tumor predisposition; Hereditary neoplastic syndrome. Identifiers: Orphanet 140162, MedGen C0027672, MeSH D009386, MONDO:0015356.
Cardiovascular phenotype. Identifiers: MedGen CN230736.
LZTR1-related disorder. Also called: LZTR1-related disorders; LZTR1-related condition.

Allele frequency attached by ClinVar (database versions not stated): TOPMed 0.00002; gnomAD 0.00003 and 0.00004.
gnomAD v4.1: 39 of 1,613,456 alleles (0.0024%); highest among the groups gnomAD compares: Admixed American, 0.0083%; no homozygotes.

Submissions (7):

Labcorp Genetics (formerly Invitae), Labcorp
Classification: Likely benign. Last evaluated: 2026-01-26. Review status: criteria provided, single submitter. Criteria: Invitae Variant Classification Sherloc (09022015). Collection method: clinical testing. Allele origin: germline.

CeGaT Center for Human Genetics Tuebingen
Classification: Likely benign. Last evaluated: 2025-10-01. Review status: criteria provided, single submitter. Criteria: CeGaT Center For Human Genetics Tuebingen Variant Classification Criteria Version 2. Collection method: clinical testing. Allele origin: germline. Affected: yes. Observed: 6 variant alleles.
Comment: LZTR1: BP4, BP7

Blueprint Genetics
Classification: Likely benign. Last evaluated: 2024-01-04. Review status: criteria provided, single submitter. Criteria: ACMG Guidelines, 2015. Collection method: clinical testing. Allele origin: germline.

Women's Health and Genetics/Laboratory Corporation of America, LabCorp
Classification: Benign. Last evaluated: 2022-12-04. Review status: criteria provided, single submitter. Criteria: LabCorp Variant Classification Summary - May 2015. Collection method: clinical testing. Allele origin: germline.

Ambry Genetics
Classification: Likely benign for Cardiovascular phenotype; Hereditary cancer-predisposing syndrome. Last evaluated: 2020-10-15. Review status: criteria provided, single submitter. Criteria: Ambry Variant Classification Scheme 2023. Collection method: clinical testing. Allele origin: germline.

GeneDx
Classification: Likely benign. Last evaluated: 2018-01-16. Review status: criteria provided, single submitter. Criteria: GeneDx Variant Classification (06012015). Collection method: clinical testing. Allele origin: germline. Affected: yes.
Comment: This variant is considered likely benign or benign based on one or more of the following criteria: it is a conservative change, it occurs at a poorly conserved position in the protein, it is predicted to be benign by multiple in silico algorithms, and/or has population frequency not consistent with disease.

PreventionGenetics, part of Exact Sciences
Classification: Likely benign for LZTR1-related condition. Last evaluated: 2020-08-17. Review status: no assertion criteria provided. Collection method: clinical testing. Allele origin: germline. Not counted in ClinVar's aggregate classification.
Comment: This variant is classified as likely benign based on ACMG/AMP sequence variant interpretation guidelines (Richards et al. 2015 PMID: 25741868, with internal and published modifications).